The following is an entry in ClinVar:

NM_000350.3(ABCA4):c.4297G>A (p.Val1433Ile)

Gene: ABCA4 (ATP binding cassette subfamily A member 4; minus strand). Cytogenetic location: 1p22.1.
Variant type: single nucleotide variant.
Coding change: c.4297G>A on transcript NM_000350.3 (MANE Select); coding-DNA position 4297, G replaced by A.
Protein change: p.Val1433Ile; replaces valine 1433 with isoleucine.
Molecular consequence: missense variant.
Genome position (GRCh38, 1-based): chr1:94,030,483, C>T on the plus strand (G>A on the coding strand, the complement: ABCA4 is on the minus strand). VCF-style: chr1-94030483-C-T. GRCh37 (hg19) VCF-style: chr1-94496039-C-T.
Other names: c.4075G>A, p.Val1359Ile (NM_001425324.1); short protein forms V1433I, V1359I.
Identifiers: ClinVar variation 99274 (VCV000099274.70), dbSNP rs56357060, ClinGen allele CA227181.

ClinVar aggregate classification (germline): Conflicting classifications of pathogenicity. Review status: criteria provided, conflicting classifications (1 of 4 stars). 16 submissions from 16 submitters: Uncertain significance (7); Likely benign (2). 7 of the submissions do not count toward it. Last evaluated 2026-02-02.

Conditions:
ABCA4-related disorder. Also called: ABCA4-related condition; ABCA4-related disorders. Identifiers: MedGen CN239167.
Retinal dystrophy. Also called: Inherited retinal dystrophy. Identifiers: Orphanet 71862, MedGen C0854723, MeSH D058499, MONDO:0019118, HP:0000556.

Allele frequency attached by ClinVar (database versions not stated): 1000 Genomes Project 30x 0.00047; 1000 Genomes Project 0.00060; ExAC 0.00143; gnomAD exomes 0.00161 and 0.00265; TOPMed 0.00177; gnomAD 0.00184 and 0.00189; ESP Exome Variant Server 0.00185.
gnomAD v4.1: 4,108 of 1,614,254 alleles (0.25%); highest among the groups gnomAD compares: Non-Finnish European, 0.31%; 10 homozygotes.

Submissions 1 to 12 of 16:

Labcorp Genetics (formerly Invitae), Labcorp
Classification: Likely benign. Last evaluated: 2026-02-02. Review status: criteria provided, single submitter. Criteria: Invitae Variant Classification Sherloc (09022015). Collection method: clinical testing. Allele origin: germline.

3billion
Classification: Uncertain significance for ABCA4-related disorder. Last evaluated: 2025-06-16. Review status: criteria provided, single submitter. Criteria: ACMG Guidelines, 2015. Collection method: clinical testing. Allele origin: germline. Affected: yes.
Comment: The variant is observed at an extremely low frequency in the gnomAD v4.1.0 dataset (total allele frequency: 0.254%). Predicted Consequence/Location: Missense variant In silico tool predictions suggest damaging effect of the variant on gene or gene product [REVEL: 0.60 (>=0.6, sensitivity 0.68 and specificity 0.92); 3Cnet: 0.98 (> 0.75, sensitivity 0.96 and precision 0.92)]. The same nucleotide change resulting in the same amino acid change has been previously reported to be associated with ABCA4-related disorder (PMID: 9973280). However, the evidence of pathogenicity is insufficient at this time. Therefore, this variant is classified as VUS according to the recommendation of ACMG/AMP guideline.

Blueprint Genetics
Classification: Likely benign. Last evaluated: 2024-11-19. Review status: criteria provided, single submitter. Criteria: ACMG Guidelines, 2015. Collection method: clinical testing. Allele origin: germline.

Dept Of Ophthalmology, Nagoya University
Classification: Uncertain significance for Retinal dystrophy. Last evaluated: 2023-10-01. Review status: criteria provided, single submitter. Criteria: Submitter's publication. Collection method: research. Allele origin: germline. Affected: yes.

CeGaT Center for Human Genetics Tuebingen
Classification: Uncertain significance. Last evaluated: 2023-04-01. Review status: criteria provided, single submitter. Criteria: CeGaT Center For Human Genetics Tuebingen Variant Classification Criteria Version 2. Collection method: clinical testing. Allele origin: germline. Affected: yes. Observed: 5 variant alleles.
Comment: ABCA4: PM1

Institute of Human Genetics, Univ. Regensburg, Univ. Regensburg
Classification: Uncertain significance for Retinal dystrophy. Last evaluated: 2023-01-01. Review status: criteria provided, single submitter. Criteria: ACMG Guidelines, 2015. Collection method: clinical testing. Allele origin: germline. Affected: yes.

GeneDx
Classification: Uncertain significance. Last evaluated: 2022-11-26. Review status: criteria provided, single submitter. Criteria: GeneDx Variant Classification Process June 2021. Collection method: clinical testing. Allele origin: germline. Affected: yes.
Comment: Observed in patients with Stargardt disease in published literature who were reported to have V1433I on the same allele (in cis) with other ABCA4 variants or seen phase unknown with two other pathogenic ABCA4 variants, therefore questioning the pathogenicity of V1433I (Klevering et al., 2004; Lambertus et al., 2016; Murro et al., 2017; Birtel et al., 2018); In silico analysis supports that this missense variant does not alter protein structure/function; This variant is associated with the following publications: (PMID: 22995991, 34073554, 22025579, 27527345, 28002570, 28430335, 34426522, 20981092, 35119454, 29555955, 33090715, 15494742, 28341476, 32037395, 24409374, 22264887, 9973280)

ARUP Laboratories, Molecular Genetics and Genomics, ARUP Laboratories
Classification: Uncertain significance. Last evaluated: 2019-09-04. Review status: criteria provided, single submitter. Criteria: ARUP Molecular Germline Variant Investigation Process. Collection method: clinical testing. Allele origin: germline.
Comment: The ABCA4 variant c.4297G>A; p.Val1433Ile (rs56357060) is reported in the medical literature in individuals with ABCA4-related disease as well as age related macular degeneration in the compound heterozygous state in a few individuals, but often without an additional pathogenic variant (Aguirre-Lamban 2009, Klevering 2004, Lewis 1999, Michaelides 2007, Song 2011, Souied 2000, Taylor 2017, Thiadens 2012, Webster 2001). The variant is reported in the ClinVar database (Variation ID: 99274) and in the Genome Aggregation Database in the general population with an allele frequency of 0.2% (470/282886 alleles including 1 homozygote). The amino acid at this position is highly conserved but computational algorithms (PolyPhen-2, SIFT) predict this variant is tolerated. Considering available information, there is insufficient evidence to classify this variant with certainty. References: Aguirre-Lamban J et al. Molecular analysis of the ABCA4 gene for reliable detection of allelic variations in Spanish patients: identification of 21 novel variants. Br J Ophthalmol. 2009 May;93(5):614-21. Klevering BJ et al. Three families displaying the combination of Stargardt's disease with cone-rod dystrophy or retinitis pigmentosa. Ophthalmology. 2004 Mar;111(3):546-53. Lewis RA et al. Genotype/Phenotype analysis of a photoreceptor-specific ATP-binding cassette transporter gene, ABCR, in Stargardt disease. Am J Hum Genet. 1999 Feb;64(2):422-34. Michaelides M et al. ABCA4 mutations and discordant ABCA4 alleles in patients and siblings with bull's-eye maculopathy. Br J Ophthalmol. 2007 Dec;91(12):1650-5. Song J et al. High-throughput retina-array for screening 93 genes involved in inherited retinal dystrophy. Invest Ophthalmol Vis Sci. 2011 Nov 25;52(12):9053-60. Souied EH et al. ABCR gene analysis in familial exudative age-related macular degeneration. Invest Ophthalmol Vis Sci. 2000 Jan;41(1):244-7. Taylor RL et al. Panel-Based Clinical Genetic Testing in 85 Children with Inherited Retinal Disease. Ophthalmology. 2017 Jul;124(7):985-991. Thiadens AA et al. Clinical course, genetic etiology, and visual outcome in cone and cone-rod dystrophy. Ophthalmology. 2012 Apr;119(4):819-26 Webster AR et al. An analysis of allelic variation in the ABCA4 gene. Invest Ophthalmol Vis Sci. 2001 May;42(6):1179-89.

Eurofins Ntd Llc (ga)
Classification: Uncertain significance. Last evaluated: 2015-02-15. Review status: criteria provided, single submitter. Criteria: EGL Classification Definitions 2015. Collection method: clinical testing. Allele origin: germline. Observed: 2 variant alleles, 2 heterozygotes.

PreventionGenetics, part of Exact Sciences
Classification: Uncertain significance for ABCA4-related condition. Last evaluated: 2024-08-11. Review status: no assertion criteria provided. Collection method: clinical testing. Allele origin: germline. Not counted in ClinVar's aggregate classification.
Comment: The ABCA4 c.4297G>A variant is predicted to result in the amino acid substitution p.Val1433Ile. This variant has been reported in the heterozygous state alone or with a second ABCA4 variant in individuals with Stargardt disease and cone-rod dystrophy (for example, see Lewis et al. 1999. PubMed: 9973280; Thiadens et al. 2012. PubMed: 22264887; Taylor et al. 2017. PubMed ID: 28341476; Del Pozo-Valero et al. 2022. PubMed ID: 35119454). Of note, this variant has also been detected in an individual who also had a potential causative variant in the PROM1 gene (associated with a retinal disorder) (Song et al. 2011. PubMed: 22025579). However, this variant is reported in 0.25% of alleles in individuals of European (Non-Finnish) descent in gnomAD, including in several homozygous individuals in the latest gnomAD dataset, which may be too common to be a primary cause of disease. Although we suspect that this variant may be benign, at this time, the clinical significance of this variant is uncertain due to the absence of conclusive functional and genetic evidence.

Clinical Genetics DNA and cytogenetics Diagnostics Lab, Erasmus MC, Erasmus Medical Center
Classification: Uncertain significance. Review status: no assertion criteria provided. Collection method: clinical testing. Allele origin: germline. Affected: yes. Study: VKGL Data-share Consensus. Not counted in ClinVar's aggregate classification.

Clinical Genetics, Academic Medical Center
Classification: Uncertain significance. Review status: no assertion criteria provided. Collection method: clinical testing. Allele origin: germline. Affected: yes. Study: VKGL Data-share Consensus. Not counted in ClinVar's aggregate classification.